The following is an entry in ClinVar:

ClinVar aggregate classification (germline): Benign. Review status: criteria provided, single submitter (1 of 4 stars). 2 submissions from 2 submitters: Benign (1). 1 of the submissions does not count toward it. Last evaluated 2026-01-05.

Conditions:
DOCK6-related disorder. Also called: DOCK6-related condition.

Allele frequency attached by ClinVar (database versions not stated): gnomAD exomes 0.00005; ExAC 0.00079; 1000 Genomes Project 30x 0.00156; 1000 Genomes Project 0.00160.
gnomAD v4.1: 195 of 1,254,684 alleles (0.016%); highest among the groups gnomAD compares: African/African-American, 0.27%; 1 homozygote.

Submissions (2):

Labcorp Genetics (formerly Invitae), Labcorp
Classification: Benign. Last evaluated: 2026-01-05. Review status: criteria provided, single submitter. Criteria: Invitae Variant Classification Sherloc (09022015). Collection method: clinical testing. Allele origin: germline.

PreventionGenetics, part of Exact Sciences
Classification: Likely benign for DOCK6-related condition. Last evaluated: 2022-05-02. Review status: no assertion criteria provided. Collection method: clinical testing. Allele origin: germline. Not counted in ClinVar's aggregate classification.
Comment: This variant is classified as likely benign based on ACMG/AMP sequence variant interpretation guidelines (Richards et al. 2015 PMID: 25741868, with internal and published modifications).

NM_020812.4(DOCK6):c.12C>G (p.Ser4=)

Gene: DOCK6 (dedicator of cytokinesis 6; minus strand). Cytogenetic location: 19p13.2.
Variant type: single nucleotide variant.
Coding change: c.12C>G on transcript NM_020812.4 (MANE Select); coding-DNA position 12, C replaced by G.
Protein change: p.Ser4=; no amino-acid change (serine 4 retained).
Molecular consequence: synonymous variant.
Genome position (GRCh38, 1-based): chr19:11,262,429, G>C on the plus strand (C>G on the coding strand, the complement: DOCK6 is on the minus strand). VCF-style: chr19-11262429-G-C. GRCh37 (hg19) VCF-style: chr19-11373105-G-C.
Other names: c.12C>G (NM_020812.3); c.12C>G, p.Ser4= (NM_001367830.1).
Identifiers: ClinVar variation 1613639 (VCV001613639.10), dbSNP rs560244093, ClinGen allele CA9208672.